The following is an entry in ClinVar:

ClinVar aggregate classification (germline): Likely pathogenic (1 of 4 stars; one submission).

Conditions:
Intellectual developmental disorder, autosomal recessive 27. Also called: Mental retardation, autosomal recessive 27; Intellectual disability, autosomal recessive 27. Identifiers: Orphanet 88616, MedGen C3280538, MONDO:0013702, OMIM 614340.

Submission:

Variantyx, Inc.
Classification: Likely pathogenic for Intellectual developmental disorder, autosomal recessive 27. Last evaluated: 2025-05-15. Review status: criteria provided, single submitter. Criteria: Variantyx Assertion Criteria 2022. Collection method: clinical testing. Allele origin: germline. Inheritance: Autosomal recessive inheritance. Affected: no.
Comment: This is a nonsense variant in the LINS1 gene (OMIM: 610350). Pathogenic variants in this gene have been associated with autosomal recessive intellectual developmental disorder 27. This variant introduces a premature termination codon in exon 5 out of 7 and is expected to result in loss of function, which is a known disease mechanism for LINS1 in this disorder (PVS1) (PMID: 21937992). This variant is absent from control populations (PM2). Based on the current evidence, this variant is classified as likely pathogenic for autosomal recessive intellectual developmental disorder 27.

Literature cited by the submitters: PubMed 21937992.

NM_001040616.3(LINS1):c.700C>T (p.Gln234Ter)

Gene: LINS1 (lines homolog 1; minus strand). Cytogenetic location: 15q26.3.
Variant type: single nucleotide variant.
Coding change: c.700C>T on transcript NM_001040616.3 (MANE Select); coding-DNA position 700, C replaced by T.
Protein change: p.Gln234Ter; replaces glutamine 234 with a stop codon.
Molecular consequence: nonsense. On other transcripts: 5 prime UTR variant (1), non-coding transcript variant (3).
Genome position (GRCh38, 1-based): chr15:100,574,173, G>A on the plus strand (C>T on the coding strand, the complement: LINS1 is on the minus strand). VCF-style: chr15-100574173-G-A. GRCh37 (hg19) VCF-style: chr15-101114378-G-A.
Other names: c.-48C>T (NM_001352507.2); c.655C>T, p.Gln219Ter (NM_001352508.2); short protein forms Q219*, Q234*.
Identifiers: ClinVar variation 4850020 (VCV004850020.1).